The following is an entry in ClinVar:

ClinVar aggregate classification (germline): Benign/Likely benign. Review status: criteria provided, multiple submitters, no conflicts (2 of 4 stars). 6 submissions from 6 submitters: Benign (5); Likely benign (1). Last evaluated 2026-01-31.

Conditions:
Pontocerebellar hypoplasia type 1B. Also called: EXOSC3 Pontocerebellar Hypoplasia. Identifiers: Orphanet 2254, MedGen C3553449, MONDO:0013853, OMIM 614678.

Allele frequency attached by ClinVar (database versions not stated): gnomAD exomes 0.00043 and 0.00107; ExAC 0.00131; gnomAD 0.00391 and 0.00417; 1000 Genomes Project 0.00419; 1000 Genomes Project 30x 0.00453; ESP Exome Variant Server 0.00454; TOPMed 0.00476.
gnomAD v4.1: 1,244 of 1,614,168 alleles (0.077%); highest among the groups gnomAD compares: African/African-American, 1.5%; 7 homozygotes.

Submissions (6):

Labcorp Genetics (formerly Invitae), Labcorp
Classification: Benign for Pontocerebellar hypoplasia type 1B. Last evaluated: 2026-01-31. Review status: criteria provided, single submitter. Criteria: Invitae Variant Classification Sherloc (09022015). Collection method: clinical testing. Allele origin: germline.

Mayo Clinic Laboratories, Mayo Clinic
Classification: Benign. Last evaluated: 2025-02-07. Review status: criteria provided, single submitter. Criteria: ACMG Guidelines, 2015. Collection method: clinical testing. Allele origin: germline. Observed: 1 variant allele.
Comment: BS1, BS2, BP4, BP7

CeGaT Center for Human Genetics Tuebingen
Classification: Likely benign. Last evaluated: 2024-10-01. Review status: criteria provided, single submitter. Criteria: CeGaT Center For Human Genetics Tuebingen Variant Classification Criteria Version 2. Collection method: clinical testing. Allele origin: germline. Affected: yes. Observed: 1 variant allele.
Comment: EXOSC3: BP4, BP7, BS1

GeneDx
Classification: Benign. Last evaluated: 2019-11-22. Review status: criteria provided, single submitter. Criteria: GeneDx Variant Classification Process June 2021. Collection method: clinical testing. Allele origin: germline. Affected: yes.

Illumina Laboratory Services, Illumina
Classification: Benign for Pontocerebellar hypoplasia type 1B. Last evaluated: 2018-01-13. Review status: criteria provided, single submitter. Criteria: ICSL Variant Classification Criteria 13 December 2019. Collection method: clinical testing. Allele origin: germline.
Comment: This variant was observed in the ICSL laboratory as part of a predisposition screen in an ostensibly healthy population. It had not been previously curated by ICSL or reported in the Human Gene Mutation Database (HGMD: prior to June 1st, 2018), and was therefore a candidate for classification through an automated scoring system. Utilizing variant allele frequency, disease prevalence and penetrance estimates, and inheritance mode, an automated score was calculated to assess if this variant is too frequent to cause the disease. Based on the score and internal cut-off values, a variant classified as benign is not then subjected to further curation. The score for this variant resulted in a classification of benign for this disease.

Breakthrough Genomics
Classification: Benign. Review status: criteria provided, single submitter. Criteria: ACMG Guidelines, 2015. Collection method: not provided. Allele origin: germline. Inheritance: Autosomal recessive inheritance. Affected: yes.

NM_016042.4(EXOSC3):c.540T>C (p.Cys180=)

Gene: EXOSC3 (exosome component 3; minus strand). Cytogenetic location: 9p13.2.
Variant type: single nucleotide variant.
Coding change: c.540T>C on transcript NM_016042.4 (MANE Select); coding-DNA position 540, T replaced by C.
Protein change: p.Cys180=; no amino-acid change (cysteine 180 retained).
Molecular consequence: synonymous variant. On other transcripts: intron variant (1).
Genome position (GRCh38, 1-based): chr9:37,782,072, A>G on the plus strand (T>C on the coding strand, the complement: EXOSC3 is on the minus strand). VCF-style: chr9-37782072-A-G. GRCh37 (hg19) VCF-style: chr9-37782069-A-G.
Other names: p.Cys180=; c.475-1192T>C (NM_001002269.2).
Identifiers: ClinVar variation 384297 (VCV000384297.68), dbSNP rs62640003, ClinGen allele CA5062734.
Genomic context (GRCh38, chr9:37,782,072, plus strand): 5'-AAAAAGCAGACCATCCTGTCCAATGACACCCATTCCATTGGCTCGTCCACAGCTGTCAAT[A>G]CAGACCATCTCTGGTTCCATGTCTTTATTAGCAACCACAAACTGGCCATAGATGAGATCT-3'
Protein context (NP_057126.2, residues 170-190): ANKDMEPEMV[Cys180=]IDSCGRANGM